The following is an entry in ClinVar:

ClinVar aggregate classification (germline): Uncertain significance (1 of 4 stars; one submission).

Conditions:
Retinoblastoma (RB1). Also called: RETINOBLASTOMA, SOMATIC. Identifiers: Orphanet 790, MedGen C0035335, MeSH D012175, MONDO:0008380, OMIM 180200, HP:0009919. Disease mechanism: loss of function. Inheritance: Both sporadic and heritable forms are tested..

Submission:

Labcorp Genetics (formerly Invitae), Labcorp
Classification: Uncertain significance for Retinoblastoma. Last evaluated: 2025-07-23. Review status: criteria provided, single submitter. Criteria: Invitae Variant Classification Sherloc (09022015). Collection method: clinical testing. Allele origin: germline.
Comment: This sequence change replaces glutamic acid, which is acidic and polar, with valine, which is neutral and non-polar, at codon 691 of the RB1 protein (p.Glu691Val). This variant is not present in population databases (gnomAD no frequency). This variant has not been reported in the literature in individuals affected with RB1-related conditions. Invitae Evidence Modeling of protein sequence and biophysical properties (such as structural, functional, and spatial information, amino acid conservation, physicochemical variation, residue mobility, and thermodynamic stability) indicates that this missense variant is expected to disrupt RB1 protein function with a positive predictive value of 80%. In summary, the available evidence is currently insufficient to determine the role of this variant in disease. Therefore, it has been classified as a Variant of Uncertain Significance.

NM_000321.3(RB1):c.2072A>T (p.Glu691Val)

Gene: RB1 (RB transcriptional corepressor 1; plus strand). Cytogenetic location: 13q14.2.
Variant type: single nucleotide variant.
Coding change: c.2072A>T on transcript NM_000321.3 (MANE Select); coding-DNA position 2072, A replaced by T.
Protein change: p.Glu691Val; replaces glutamic acid 691 with valine.
Molecular consequence: missense variant.
Genome position (GRCh38, 1-based): chr13:48,459,799, A>T. VCF-style: chr13-48459799-A-T. GRCh37 (hg19) VCF-style: chr13-49033935-A-T.
Other names: c.2072A>T, p.Glu691Val (NM_001407165.1); short protein forms E691V.
Identifiers: ClinVar variation 4742873 (VCV004742873.1).